The following is an entry in ClinVar:

NM_001733.7(C1R):c.1202G>A (p.Arg401His)

Gene: C1R (complement C1r; minus strand). Cytogenetic location: 12p13.31.
Variant type: single nucleotide variant.
Coding change: c.1202G>A on transcript NM_001733.7 (MANE Select); coding-DNA position 1202, G replaced by A.
Protein change: p.Arg401His; replaces arginine 401 with histidine.
Molecular consequence: missense variant.
Genome position (GRCh38, 1-based): chr12:7,085,932, C>T on the plus strand (G>A on the coding strand, the complement: C1R is on the minus strand). VCF-style: chr12-7085932-C-T.
Other names: c.1244G>A, p.Arg415His (NM_001354346.2); short protein forms R401H, R415H.
Identifiers: ClinVar variation 1805446 (VCV001805446.2), dbSNP rs1046619694, ClinGen allele CA232466387.
Genomic context (GRCh38, chr12:7,085,932, plus strand): 5'-TCCCTGCTGCCAGCTCTGGTCTGCATCTTGTAATATGGCTCATGGCAGTAGTACTGGATA[C>T]GGGCCTTGTAGGTGTTCACTCCCATTGTGGTGGTGTAACGGAAGTCACCATTAGGCAGGT-3'
Protein context (NP_001724.4, residues 391-411): TTMGVNTYKA[Arg401His]IQYYCHEPYY

ClinVar aggregate classification (germline): Likely benign (1 of 4 stars; one submission).

Conditions:
Ehlers-Danlos syndrome, periodontal type 1. Identifiers: Orphanet 75392, MedGen C4551499, MONDO:0020684, OMIM 130080.

Allele frequency attached by ClinVar (database versions not stated): TOPMed 0.00006; gnomAD exomes 0.00007; gnomAD 0.00009; 1000 Genomes Project 30x 0.00016.

Submission:

Victorian Clinical Genetics Services, Murdoch Childrens Research Institute
Classification: Likely benign for Ehlers-Danlos syndrome, periodontal type 1. Last evaluated: 2022-03-31. Review status: criteria provided, single submitter. Criteria: ACMG Guidelines, 2015. Collection method: clinical testing. Allele origin: germline. Inheritance: Autosomal dominant inheritance.
Comment: Based on the classification scheme VCGS_Germline_v1.3.4, this variant is classified as Likely benign. Following criteria are met: 0101 - Gain of function is a known mechanism of disease in this gene and is associated with Ehlers-Danlos syndrome, periodontal type, 1 (MIM#130080; GeneReviews). (I) 0107 - This gene is associated with autosomal dominant disease. (I) 0200 - Variant is predicted to result in a missense amino acid change from arginine to histidine. (I) 0251 - This variant is heterozygous. (I) 0308 - Population frequency for this variant is out of keeping with known incidence of Ehlers-Danlos syndrome, periodontal type, 1 (MIM#130080). (SB) 0309 - An alternative amino acid change at the same position has been observed in gnomAD (v3: 7 heterozygotes, 0 homozygotes). (I) 0504 - Same amino acid change has been observed in placental mammals. (SB) 0600 - Variant is located in the annotated sushi_2 domain (Uniprot). (I) 0705 - No comparable missense variants have previous evidence for pathogenicity. (I) 0807 - This variant has no previous evidence of pathogenicity. (I) 0905 - No published segregation evidence has been identified for this variant. (I) 1007 - No published functional evidence has been identified for this variant. (I) 1208 - Inheritance information for this variant is not currently available in this individual. (I) Legend: (SP) - Supporting pathogenic, (I) - Information, (SB) - Supporting benign